The following is an entry in ClinVar:

NM_000937.5(POLR2A):c.1202+2dup

Gene: POLR2A (RNA polymerase II subunit A; plus strand). Cytogenetic location: 17p13.1.
Variant type: Duplication.
Coding change: c.1202+2dup on transcript NM_000937.5 (MANE Select); the canonical splice donor site of the intron after coding-DNA position 1202, one base duplicated (T; older notation c.1202+2dupT).
Molecular consequence: splice donor variant.
Genome position (GRCh38, 1-based): chr17:7,497,872, T duplicated. VCF-style (leftmost placement, unchanged base first): chr17-7497871-G-GT. GRCh37 (hg19) VCF-style: chr17-7401190-G-GT.
Identifiers: ClinVar variation 3378247 (VCV003378247.1).

ClinVar aggregate classification (germline): Uncertain significance (1 of 4 stars; one submission).

Submission:

GeneDx
Classification: Uncertain significance. Last evaluated: 2024-05-15. Review status: criteria provided, single submitter. Criteria: GeneDx Variant Classification Process June 2021. Collection method: clinical testing. Allele origin: germline. Affected: yes.
Comment: In silico analysis supports a deleterious effect on splicing; Not observed at significant frequency in large population cohorts (gnomAD); Has not been previously published as pathogenic or benign to our knowledge